The following is an entry in ClinVar:

NM_018127.7(ELAC2):c.1478C>T (p.Pro493Leu)

Gene: ELAC2 (elaC ribonuclease Z 2; minus strand). Cytogenetic location: 17p12.
Variant type: single nucleotide variant.
Coding change: c.1478C>T on transcript NM_018127.7 (MANE Select); coding-DNA position 1478, C replaced by T.
Protein change: p.Pro493Leu; replaces proline 493 with leucine.
Molecular consequence: missense variant.
Genome position (GRCh38, 1-based): chr17:12,998,454, G>A on the plus strand (C>T on the coding strand, the complement: ELAC2 is on the minus strand). VCF-style: chr17-12998454-G-A. GRCh37 (hg19) VCF-style: chr17-12901771-G-A.
Other names: c.1358C>T, p.Pro453Leu (NM_001165962.2); c.1475C>T, p.Pro492Leu (NM_173717.2); short protein forms P453L, P492L, P493L.
Identifiers: ClinVar variation 2574724 (VCV002574724.1), dbSNP rs915692232, ClinGen allele CA398224682.
Genomic context (GRCh38, chr17:12,998,454, plus strand): 5'-CCTGGGAAAGCAGCATACCTTATGTTGACAAGTGTGGCACTGACATTTCGAATCTTCATC[G>A]GGATGGCAGACCCTGTTCCAAGGAAGATGATTTCTGGGTACTGACTTCTTTTCTCTGTGA-3'
Protein context (NP_060597.4, residues 483-503): IIFLGTGSAI[Pro493Leu]MKIRNVSATL

ClinVar aggregate classification (germline): Likely pathogenic (1 of 4 stars; one submission).

Submission:

GeneDx
Classification: Likely pathogenic. Last evaluated: 2023-08-07. Review status: criteria provided, single submitter. Criteria: GeneDx Variant Classification Process June 2021. Collection method: clinical testing. Allele origin: germline. Affected: yes.
Comment: Identified de novo in a patient with congenital heart defects, however, a second ELAC2 variant was not identified, and this patient also harbored variants in other genes. Please note that this variant is referred to using alternate nomenclature p.P492L (Jin et al., 2017); Published functional studies demonstrate a damaging effect (Saoura et al., 2019); In silico analysis supports that this missense variant has a deleterious effect on protein structure/function; Not observed at a significant frequency in large population cohorts (gnomAD); This variant is associated with the following publications: (PMID: 25058219, 28991257, 31045291, 32368696, 27854233)